The following is an entry in ClinVar:

NM_001127222.2(CACNA1A):c.2979C>T (p.Gly993=)

Gene: CACNA1A (calcium voltage-gated channel subunit alpha1 A; minus strand). Cytogenetic location: 19p13.13.
Variant type: single nucleotide variant.
Coding change: c.2979C>T on transcript NM_001127222.2 (MANE Select); coding-DNA position 2979, C replaced by T.
Protein change: p.Gly993=; no amino-acid change (glycine 993 retained).
Molecular consequence: synonymous variant.
Genome position (GRCh38, 1-based): chr19:13,298,654, G>A on the plus strand (C>T on the coding strand, the complement: CACNA1A is on the minus strand). VCF-style: chr19-13298654-G-A. GRCh37 (hg19) VCF-style: chr19-13409468-G-A.
Other names: c.2991C>T, p.Gly997= (NM_000068.4, NM_023035.3); c.2982C>T, p.Gly994= (NM_001127221.2, NM_001174080.2); c.2991C>T (NM_000068.3).
Identifiers: ClinVar variation 1495284 (VCV001495284.34), dbSNP rs1347561457, ClinGen allele CA505785150.
Genomic context (GRCh38, chr19:13,298,654, plus strand): 5'-GTACGTGGCTGGAGCGCCATGCCGGTGCCTTCTCCTGCGCTCGCCCCCGTCGGGGCCCTC[G>A]CCCTCGCCCTCGCCGCCCCGGGCCGGCCGGCTGCCCTCGCGGTGCCGCGCCCTCCGCTCC-3'
Protein context (NP_001120694.1, residues 983-1003): SRPARGGEGE[Gly993=]EGPDGGERRR

ClinVar aggregate classification (germline): Likely benign. Review status: criteria provided, multiple submitters, no conflicts (2 of 4 stars). 3 submissions from 3 submitters: Likely benign (3). Last evaluated 2025-08-10.

Conditions:
Developmental and epileptic encephalopathy, 42 (DEE42A). Also called: Epileptic encephalopathy, early infantile, 42; DEVELOPMENTAL AND EPILEPTIC ENCEPHALOPATHY 42A; EPILEPTIC ENCEPHALOPATHY, EARLY INFANTILE, 42A. Identifiers: MedGen C4310716, MONDO:0014917, OMIM 617106.
Episodic ataxia type 2 (EA2). Also called: CEREBELLAR ATAXIA, PAROXYSMAL, ACETAZOLAMIDE-RESPONSIVE; CEREBELLOPATHY, HEREDITARY PAROXYSMAL; ACETAZOLAMIDE-RESPONSIVE HEREDITARY PAROXYSMAL CEREBELLAR ATAXIA; ATAXIA, EPISODIC, WITH NYSTAGMUS; ATAXIA, FAMILIAL PAROXYSMAL; EPISODIC ATAXIA, NYSTAGMUS-ASSOCIATED. Identifiers: Orphanet 97, MedGen C1720416, MONDO:0007163, OMIM 108500.
Autism spectrum disorder. Also called: Autism spectrum disorders. Identifiers: MedGen C1510586, MeSH D000067877, MONDO:0005258.

Allele frequency attached by ClinVar (database versions not stated): TOPMed below 0.00001; gnomAD 0.00001.
gnomAD v4.1: 6 of 1,502,462 alleles (0.0004%); highest among the groups gnomAD compares: Non-Finnish European, 0.00053%; no homozygotes.

Submissions (3):

Labcorp Genetics (formerly Invitae), Labcorp
Classification: Likely benign for Developmental and epileptic encephalopathy, 42; Episodic ataxia type 2. Last evaluated: 2025-08-10. Review status: criteria provided, single submitter. Criteria: Invitae Variant Classification Sherloc (09022015). Collection method: clinical testing. Allele origin: germline.

CeGaT Center for Human Genetics Tuebingen
Classification: Likely benign. Last evaluated: 2023-09-01. Review status: criteria provided, single submitter. Criteria: CeGaT Center For Human Genetics Tuebingen Variant Classification Criteria Version 2. Collection method: clinical testing. Allele origin: germline. Affected: yes. Observed: 1 variant allele.
Comment: CACNA1A: BP4, BP7

Department of Genetics, Rouen University Hospital, Normandy Center for Genomic and Personalized Medicine
Classification: Likely benign for Autism spectrum disorder. Last evaluated: 2020-11-20. Review status: criteria provided, single submitter. Criteria: ACMG Guidelines, 2015. Collection method: clinical testing. Allele origin: maternal. Affected: yes.